The following is an entry in ClinVar:

ClinVar aggregate classification (germline): Likely pathogenic (1 of 4 stars; one submission).

Conditions:
von Willebrand disease type 1 (VWD1). Also called: VON WILLEBRAND DISEASE, TYPE I; VWD, TYPE 1. Identifiers: Orphanet 166078, Orphanet 903, MedGen C1264039, MONDO:0008668, OMIM 193400. Inheritance: autosomal recessive or autosomal dominant.

Submission:

ISTH-SSC Genomics in Thrombosis and Hemostasis, KU Leuven, Center for Molecular and Vascular Biology
Classification: Likely pathogenic for von Willebrand disease type 1. Review status: criteria provided, single submitter. Criteria: ACMG Guidelines, 2015. Collection method: clinical testing. Allele origin: germline. Affected: yes. Observed: 1 compound heterozygote.
Comment: Submitted to GoldVariant by Kathleen Freson, Center for Molecular and Vascular Biology, Leuven, Belgium

NM_000552.5(VWF):c.7122_7123insAGCCCCCCCCCCCCGT (p.Cys2375fs)

Gene: VWF (von Willebrand factor; minus strand). Cytogenetic location: 12p13.31.
Variant type: Insertion.
Coding change: c.7122_7123insAGCCCCCCCCCCCCGT on transcript NM_000552.5 (MANE Select); coding-DNA positions 7122 to 7123, AGCCCCCCCCCCCCGT inserted.
Protein change: p.Cys2375fs; shifts the reading frame from cysteine 2375.
Molecular consequence: frameshift variant.
Genome position: GRCh38 VCF-style: chr12-5981950-A-AACGGGGGGGGGGGGCT. GRCh37 (hg19) VCF-style: chr12-6091116-A-AACGGGGGGGGGGGGCT.
Other names: short protein forms C2375fs.
Identifiers: ClinVar variation 1703815 (VCV001703815.1), dbSNP rs2497421495, ClinGen allele CA2580086232.
Genomic context (GRCh38, chr12:5,981,950, plus strand): 5'-CACACTCATACTCATCACAGCACTGGGTCTTCCGAAGGGTGGGCAAACGGTGCGGGGGGC[A>AACGGGGGGGGGGGGCT]GGAGGGTGGGGACACTCTTTTGCACTCCTCCTTCCTGCAGGCTGAGGGTAGGACAAGGCC-3'